The following is an entry in ClinVar:

NM_020975.6(RET):c.1223A>G (p.Tyr408Cys)

Gene: RET (ret proto-oncogene; plus strand). Cytogenetic location: 10q11.21.
Variant type: single nucleotide variant.
Coding change: c.1223A>G on transcript NM_020975.6 (MANE Select); coding-DNA position 1223, A replaced by G.
Protein change: p.Tyr408Cys; replaces tyrosine 408 with cysteine.
Molecular consequence: missense variant.
Genome position (GRCh38, 1-based): chr10:43,109,190, A>G. VCF-style: chr10-43109190-A-G. GRCh37 (hg19) VCF-style: chr10-43604638-A-G.
Other names: c.1223A>G, p.Tyr408Cys (NM_000323.2, NM_001406760.1, NM_001406743.1 and 6 more transcripts); c.461A>G, p.Tyr154Cys (NM_001355216.2); c.1094A>G, p.Tyr365Cys (NM_001406761.1, NM_001406762.1, NM_001406764.1 and 1 more transcripts); c.935A>G, p.Tyr312Cys (NM_001406766.1, NM_001406767.1, NM_001406770.1); c.785A>G, p.Tyr262Cys (NM_001406771.1, NM_001406773.1); c.497A>G, p.Tyr166Cys (NM_001406775.1, NM_001406776.1, NM_001406777.1 and 1 more transcripts); c.233A>G, p.Tyr78Cys (NM_001406784.1); short protein forms Y262C, Y365C, Y312C, Y408C, Y78C, Y166C, Y154C.
Identifiers: ClinVar variation 1753597 (VCV001753597.3), dbSNP rs864622405, ClinGen allele CA376547913.
Genomic context (GRCh38, chr10:43,109,190, plus strand): 5'-TCCTCTTGCTCCACTTCAACGTGTCGGTGCTGCCGGTCAGCCTGCACCTGCCCAGTACCT[A>G]CTCCCTCTCCGTGAGCAGGAGGGCTCGCCGATTTGCCCAGGTGAGCCCATACCTATTGCC-3'
Protein context (NP_066124.1, residues 398-418): LPVSLHLPST[Tyr408Cys]SLSVSRRARR

ClinVar aggregate classification (germline): Uncertain significance (1 of 4 stars; one submission).

Conditions:
Hereditary cancer-predisposing syndrome. Also called: Neoplastic Syndromes, Hereditary; Tumor predisposition; Hereditary Cancer Syndrome; Hereditary neoplastic syndrome. Identifiers: Orphanet 140162, MedGen C0027672, MeSH D009386, MONDO:0015356.

Allele frequency attached by ClinVar (database versions not stated): gnomAD exomes below 0.00001.
gnomAD v4.1: 1 of 1,612,934 alleles (0.000062%); highest among the groups gnomAD compares: Non-Finnish European, 0.000085%; no homozygotes.

Submission:

Ambry Genetics
Classification: Uncertain significance for Hereditary cancer-predisposing syndrome. Last evaluated: 2024-06-08. Review status: criteria provided, single submitter. Criteria: Ambry Variant Classification Scheme 2023. Collection method: clinical testing. Allele origin: germline.
Comment: The p.Y408C variant (also known as c.1223A>G), located in coding exon 6 of the RET gene, results from an A to G substitution at nucleotide position 1223. The tyrosine at codon 408 is replaced by cysteine, an amino acid with highly dissimilar properties. This amino acid position is conserved. In addition, the in silico prediction for this alteration is inconclusive. Since supporting evidence is limited at this time, the clinical significance of this alteration remains unclear.